The following is an entry in ClinVar:

NM_000552.5(VWF):c.1625C>G (p.Ala542Gly)

Gene: VWF (von Willebrand factor; minus strand). Cytogenetic location: 12p13.31.
Variant type: single nucleotide variant.
Coding change: c.1625C>G on transcript NM_000552.5 (MANE Select); coding-DNA position 1625, C replaced by G.
Protein change: p.Ala542Gly; replaces alanine 542 with glycine.
Molecular consequence: missense variant.
Genome position (GRCh38, 1-based): chr12:6,057,953, G>C on the plus strand (C>G on the coding strand, the complement: VWF is on the minus strand). VCF-style: chr12-6057953-G-C. GRCh37 (hg19) VCF-style: chr12-6167119-G-C.
Other names: p.A542G; p.Ala542Gly; c.1625C>G (NM_000552.4); short protein forms A542G.
Identifiers: ClinVar variation 381621 (VCV000381621.26), dbSNP rs141649383, ClinGen allele CA6403319.

ClinVar aggregate classification (germline): Conflicting classifications of pathogenicity. Review status: criteria provided, conflicting classifications (1 of 4 stars). 12 submissions from 12 submitters: Pathogenic (1); Likely pathogenic (1); Uncertain significance (10). Last evaluated 2026-09-23.

Conditions:
von Willebrand disease type 2 (VWD2). Also called: VWD, TYPE 2; VON WILLEBRAND DISEASE, TYPE 2A/IIE; VON WILLEBRAND DISEASE, TYPE 2CB; VON WILLEBRAND DISEASE, TYPE II. Identifiers: Orphanet 166081, Orphanet 903, MedGen C1264040, MONDO:0013304, OMIM 613554.
von Willebrand disease type 1 (VWD1). Also called: VWD, TYPE 1; VON WILLEBRAND DISEASE, TYPE I. Identifiers: Orphanet 166078, Orphanet 903, MedGen C1264039, MONDO:0008668, OMIM 193400. Inheritance: autosomal recessive or autosomal dominant.
VWF-related disorder. Also called: VWF-related condition; VWF-related disorders.
von Willebrand disease type 3 (VWD3). Also called: Type 3 Von Willebrand's disease; Type 3 VWD; Von Willebrand disease, severe form; V WD3; VON WILLEBRAND DISEASE, TYPE III. Identifiers: Orphanet 166096, MedGen C1264041, MONDO:0010191, OMIM 277480.
Hereditary von Willebrand disease. Identifiers: Orphanet 903, MedGen C5703318, MONDO:0019565. Inheritance: Autosomal recessive or Autosomal dominant.

Allele frequency attached by ClinVar (database versions not stated): 1000 Genomes Project 30x 0.00031; gnomAD 0.00074 and 0.00075; gnomAD exomes 0.00072; TOPMed 0.00072; 1000 Genomes Project 0.00040; ESP Exome Variant Server 0.00062; ExAC 0.00045.
gnomAD v4.1: 1,714 of 1,613,708 alleles (0.11%); highest among the groups gnomAD compares: Admixed American, 0.16%; 2 homozygotes.

Submissions (12):

GeneDx
Classification: Uncertain significance. Last evaluated: 2026-09-23. Review status: criteria provided, single submitter. Criteria: GeneDx Variant Classification Process June 2021. Collection method: clinical testing. Allele origin: germline.
Comment: Observed in the homozygous state in an individual with von Willebrand disease who had an additional homozygous VWF variant in cis (PMID: 20801902); In silico analysis supports that this missense variant has a deleterious effect on protein structure/function; This variant is associated with the following publications: (PMID: 26986123, 23648131, 21251206, 28971901, 31064749, 38158197, 20801902, 27532107, 33556167)

Women's Health and Genetics/Laboratory Corporation of America, LabCorp
Classification: Uncertain significance. Last evaluated: 2025-12-12. Review status: criteria provided, single submitter. Criteria: LabCorp Variant Classification Summary - May 2015. Collection method: clinical testing. Allele origin: germline.
Comment: Variant summary: VWF c.1625C>G (p.Ala542Gly) results in a non-conservative amino acid change located in the von Willebrand factor, type D domain (IPR001846) of the encoded protein sequence. Algorithms developed to predict the effect of missense changes on protein structure and function are either unavailable or do not agree on the potential impact of this missense change. The variant allele was found at a frequency of 0.00072 in 250426 control chromosomes. This frequency is not significantly higher than estimated for disease-causing variants in VWF, allowing no conclusion about variant significance. c.1625C>G has been reported in the literature in individuals affected with Von Willebrand Disease (Corrales_2010, Casonato_2016, Veyradier_2016, Sadler_2021, Borras_2017). One patient was reported as putatively compound heterozygous with a pathogenic variant, although other patients were found to have a likely pathogenic variant in cis or without the phase indicated. These data do not allow any conclusion about variant significance. To our knowledge, no experimental evidence demonstrating an impact on protein function has been reported. The following publications have been ascertained in the context of this evaluation (PMID: 20801902, 27532107, 26986123, 33556167, 28971901, 21251206, 31064749, 38158197). ClinVar contains an entry for this variant (Variation ID: 381621). Based on the evidence outlined above, the variant was classified as uncertain significance.

Quest Diagnostics Nichols Institute San Juan Capistrano
Classification: Uncertain significance. Last evaluated: 2025-10-14. Review status: criteria provided, single submitter. Criteria: Quest Diagnostics criteria. Collection method: clinical testing. Allele origin: unknown.
Comment: The VWF c.1625C>G (p.Ala542Gly) variant has been reported in individuals with Type 1 von Willebrand disease (VWD) or low VWF protein levels who also carried a deleterious VWF variant (PMID: 33556167 (2021)). An individual with Type 3 VWD was found to carry this variant and two copies of a VWF splice site variant (PMID: 20801902 (2010), 28971901 (2017)). This variant has been reported in additional individuals with type 1, type 1H, type 2A VWD (PMIDs: 26986123 (2016), 27532107 (2016), 28971901 (2017)) and unspecified bleeding/thrombotic disorder (PMID: 31064749 (2019)). The frequency of this variant in the general population (Genome Aggregation Database) is uninformative in the assessment of its pathogenicity. Analysis of this variant using bioinformatics tools for the prediction of the effect of amino acid changes on protein structure and function yielded conflicting predictions that this variant is deleterious or benign. Based on the available information, we are unable to determine the clinical significance of this variant.

Mayo Clinic Laboratories, Mayo Clinic
Classification: Uncertain significance. Last evaluated: 2025-01-24. Review status: criteria provided, single submitter. Criteria: ACMG Guidelines, 2015. Collection method: clinical testing. Allele origin: germline. Observed: 2 variant alleles.
Comment: BP2, BP4_moderate, PM1_supporting

Blueprint Genetics
Classification: Uncertain significance. Last evaluated: 2024-11-22. Review status: criteria provided, single submitter. Criteria: ACMG Guidelines, 2015. Collection method: clinical testing. Allele origin: germline.

PreventionGenetics, part of Exact Sciences
Classification: Uncertain significance for VWF-related condition. Last evaluated: 2022-09-09. Review status: criteria provided, single submitter. Criteria: ACMG Guidelines, 2015. Collection method: clinical testing. Allele origin: germline.
Comment: The VWF c.1625C>G variant is predicted to result in the amino acid substitution p.Ala542Gly. This variant has been reported in patients with von Willebrand disease, but has always been reported in a cis configuration with a splice site variant c.533-2A>G making it unclear whether the missense variant p.Ala542Gly is actually a cause of disease (see Corrales et al. 2010. PubMed ID: 20801902). This variant has also been reported in studies of VWD patients, but it is unclear whether it is a cause of disease within the studied cohort (Veyradier et al. 2016. PubMed ID: 26986123; Table S2 - Sadler et al. 2021. PubMed ID: 33556167). Additionally, the c.1625C>G (p.Ala542Gly) variant was observed in a cohort of individuals with bleeding, thrombotic and platelet disorders, and reported as likely pathogenic (TGP0672, Supplementary Table 3, Downes et al. 2019. PubMed ID: 31064749). This variant is reported in 0.14% of alleles in individuals of Latino descent in gnomAD. At this time, the clinical significance of this variant is uncertain due to the absence of conclusive functional and genetic evidence.

Baylor Genetics
Classification: Pathogenic for von Willebrand disease type 2. Last evaluated: 2022-04-14. Review status: criteria provided, single submitter. Criteria: ACMG Guidelines, 2015. Collection method: clinical testing. Allele origin: unknown.

Department of Pathology and Laboratory Medicine, Sinai Health System
Classification: Uncertain significance for von Willebrand disease type 1; von Willebrand disease type 3; von Willebrand disease type 2. Last evaluated: 2022-04-05. Review status: criteria provided, single submitter. Criteria: ACMG Guidelines, 2015. Collection method: research. Allele origin: germline.

Laboratory of Hematology, Radboud University Medical Center
Classification: Uncertain significance for von Willebrand disease type 1. Last evaluated: 2020-12-10. Review status: criteria provided, single submitter. Criteria: ACMG Guidelines, 2015. Collection method: research. Allele origin: germline. Affected: yes. Observed: 2 variant alleles. Study: WIN study.

Victorian Clinical Genetics Services, Murdoch Childrens Research Institute
Classification: Uncertain significance for Hereditary von Willebrand disease. Last evaluated: 2020-05-25. Review status: criteria provided, single submitter. Criteria: ACMG Guidelines, 2015. Collection method: clinical testing. Allele origin: germline. Affected: yes.
Comment: Based on the classification scheme VCGS_Germline_v1.1.1, this variant is classified as 3B-VUS. Following criteria are met: 0102 - Loss-of-function is a known mechanism of disease for this gene. (N) 0104 - Dominant Negative is a mechanism of disease for this gene. (N) 0108 - This gene is known to be associated with both recessive and dominant disease (OMIM). (N) 0200 - Variant is predicted to result in a missense amino acid change from alanine to glycine (exon 14). (N) 0251 - Variant is heterozygous. (N) 0309 - An alternative amino acid change at the same position has been observed in gnomAD (p.(Ala542Thr): 1 heterozygote, 0 homozyotes). (N) 0310 - Variant is present in gnomAD >=0.001 and <0.01 for a dominant condition (194 heterozygotes, 0 homozygotes). (N) 0503 - Missense variant consistently predicted to be tolerated or not conserved in mammals with a minor amino acid change. (B) 0600 - Variant is located in an annotated domain or motif (VWFD 2 motif; PDB). (N) 0705 - No comparable variants have previous evidence for pathogenicity. (N) 0808 - Previous reports of pathogenicity are conflicting. This variant has been reported in multiple patients with type 1, 2A or 3 von Willebrand disease (PMIDs: 26986123, 28971901), however most of them also had another pathogenic VWF variant (PMIDs: 28971901, 27532107, 21251206). It is also reported in ClinVar with conflicting interpretation of pathogenicity. (N) 0905 - No segregation evidence has been identified for this variant. (N) 1007 - No published functional evidence has been identified for this variant. (N) 1208 - Inheritance information for this variant is not currently available. (N) Legend: (P) - Pathogenic, (N) - Neutral, (B) - Benign

NIHR Bioresource Rare Diseases, University of Cambridge
Classification: Likely pathogenic for von Willebrand disorder. Last evaluated: 2019-02-01. Review status: criteria provided, single submitter. Criteria: ACMG Guidelines, 2015. Collection method: research. Allele origin: unknown. Affected: yes. Observed: 1 heterozygote. Study: ThromboGenomics.

Fulgent Genetics
Classification: Uncertain significance for von Willebrand disease type 1; von Willebrand disease type 3; von Willebrand disease type 2. Last evaluated: 2018-10-31. Review status: criteria provided, single submitter. Criteria: ACMG Guidelines, 2015. Collection method: clinical testing. Allele origin: unknown.

Literature cited by the submitters: PubMed 28971901 (cited by 4 submitters); PubMed 21251206 (cited by 4 submitters); PubMed 31064749 (cited by 3 submitters); PubMed 26986123 (cited by 4 submitters); PubMed 33556167 (cited by 3 submitters); PubMed 20801902 (cited by 3 submitters); PubMed 27532107 (cited by 4 submitters); PubMed 38158197 (cited by Women's Health and Genetics/Laboratory Corporation of America, LabCorp); PubMed 23648131 (cited by Quest Diagnostics Nichols Institute San Juan Capistrano).